The following is an entry in ClinVar:

NM_001369.3(DNAH5):c.3315C>A (p.Asn1105Lys)

Genes: DNAH5-AS1 (DNAH5 antisense RNA 1; plus strand), DNAH5 (dynein axonemal heavy chain 5; minus strand). Cytogenetic location: 5p15.2.
Variant type: single nucleotide variant.
Coding change: c.3315C>A on transcript NM_001369.3 (MANE Select); coding-DNA position 3315, C replaced by A.
Protein change: p.Asn1105Lys; replaces asparagine 1105 with lysine.
Molecular consequence: missense variant.
Genome position (GRCh38, 1-based): chr5:13,876,765, G>T on the plus strand (C>A on the coding strand, the complement: DNAH5 is on the minus strand). VCF-style: chr5-13876765-G-T. GRCh37 (hg19) VCF-style: chr5-13876874-G-T.
Other names: p.Asn1105Lys; short protein forms N1105K.
Identifiers: ClinVar variation 351192 (VCV000351192.13), dbSNP rs144053917, ClinGen allele CA3204310.

ClinVar aggregate classification (germline): Uncertain significance. Review status: criteria provided, multiple submitters, no conflicts (2 of 4 stars). 6 submissions from 6 submitters: Uncertain significance (6). Last evaluated 2025-09-10.

Conditions:
Primary ciliary dyskinesia. Also called: Ciliary dyskinesia. Identifiers: Orphanet 244, MedGen C0008780, MONDO:0016575, HP:0012265.
Primary ciliary dyskinesia 3. Identifiers: Orphanet 244, MedGen C1837618, MONDO:0012085, OMIM 608644.

Allele frequency attached by ClinVar (database versions not stated): TOPMed 0.00011; gnomAD 0.00014; ESP Exome Variant Server 0.00015.
gnomAD v4.1: 359 of 1,613,644 alleles (0.022%); highest among the groups gnomAD compares: South Asian, 0.054%; no homozygotes.

Submissions (6):

Genomic Medicine Center of Excellence, King Faisal Specialist Hospital and Research Centre
Classification: Uncertain significance for Primary ciliary dyskinesia 3. Last evaluated: 2025-09-10. Review status: criteria provided, single submitter. Criteria: ACMG Guidelines, 2015. Collection method: clinical testing. Allele origin: germline.

Mayo Clinic Laboratories, Mayo Clinic
Classification: Uncertain significance. Last evaluated: 2024-01-09. Review status: criteria provided, single submitter. Criteria: ACMG Guidelines, 2015. Collection method: clinical testing. Allele origin: germline. Observed: 1 variant allele.
Comment: BP4

Labcorp Genetics (formerly Invitae), Labcorp
Classification: Uncertain significance for Primary ciliary dyskinesia. Last evaluated: 2022-08-09. Review status: criteria provided, single submitter. Criteria: Invitae Variant Classification Sherloc (09022015). Collection method: clinical testing. Allele origin: germline.
Comment: This sequence change replaces asparagine, which is neutral and polar, with lysine, which is basic and polar, at codon 1105 of the DNAH5 protein (p.Asn1105Lys). This variant is present in population databases (rs144053917, gnomAD 0.06%). This missense change has been observed in individual(s) with clinical features of DNAH5-related conditions (Invitae). ClinVar contains an entry for this variant (Variation ID: 351192). Advanced modeling of protein sequence and biophysical properties (such as structural, functional, and spatial information, amino acid conservation, physicochemical variation, residue mobility, and thermodynamic stability) performed at Invitae indicates that this missense variant is not expected to disrupt DNAH5 protein function. In summary, the available evidence is currently insufficient to determine the role of this variant in disease. Therefore, it has been classified as a Variant of Uncertain Significance.

Genetics and Molecular Pathology, SA Pathology
Classification: Uncertain significance for Primary ciliary dyskinesia 3. Last evaluated: 2020-06-15. Review status: criteria provided, single submitter. Criteria: ACMG Guidelines, 2015. Collection method: clinical testing. Allele origin: germline. Affected: yes.
Comment: PM2, PP3

Illumina Laboratory Services, Illumina
Classification: Uncertain significance for Primary ciliary dyskinesia 3. Last evaluated: 2018-01-12. Review status: criteria provided, single submitter. Criteria: ICSL Variant Classification Criteria 13 December 2019. Collection method: clinical testing. Allele origin: germline.

Ambry Genetics
Classification: Uncertain significance for Primary ciliary dyskinesia. Last evaluated: 2015-08-03. Review status: criteria provided, single submitter. Criteria: Ambry Variant Classification Scheme 2023. Collection method: clinical testing. Allele origin: germline.
Comment: The p.N1105K variant (also known as c.3315C>A), located in coding exon 22 of the DNAH5 gene, results from a C to A substitution at nucleotide position 3315. The asparagine at codon 1105 is replaced by lysine, an amino acid with similar properties. This variant was previously reported in the SNPDatabase as rs144053917. Based on data from the NHLBI Exome Sequencing Project (ESP), the A allele has an overall frequency of approximately 0.02% (2/13006) total alleles studied, having been observed in 0.02% (2/8600) European American alleles. This amino acid position is well conserved in available vertebrate species. In addition, this alteration is predicted to be tolerated by in silico analysis. Since supporting evidence is limited at this time, the clinical significance of this variant remains unclear.